The following is an entry in ClinVar:

ClinVar aggregate classification (germline): Uncertain significance. Review status: criteria provided, multiple submitters, no conflicts (2 of 4 stars). 2 submissions from 2 submitters: Uncertain significance (2). Last evaluated 2026-01-22.

Conditions:
Inborn genetic diseases. Identifiers: MedGen C0950123, MeSH D030342.
Fanconi anemia (FA). Also called: Fanconi's anemia. Identifiers: Orphanet 84, MedGen C0015625, MeSH D005199, MONDO:0019391.

Submissions (2):

Ambry Genetics
Classification: Uncertain significance for Inborn genetic diseases. Last evaluated: 2026-01-22. Review status: criteria provided, single submitter. Criteria: Ambry Variant Classification Scheme 2023. Collection method: clinical testing. Allele origin: germline.
Comment: The p.L731F variant (also known as c.2191C>T), located in coding exon 13 of the FANCM gene, results from a C to T substitution at nucleotide position 2191. The leucine at codon 731 is replaced by phenylalanine, an amino acid with highly similar properties. This amino acid position is conserved. In addition, the in silico prediction for this alteration is inconclusive. Based on the available evidence, the clinical significance of this variant remains unclear.

Labcorp Genetics (formerly Invitae), Labcorp
Classification: Uncertain significance for Fanconi anemia. Last evaluated: 2026-01-02. Review status: criteria provided, single submitter. Criteria: Invitae Variant Classification Sherloc (09022015). Collection method: clinical testing. Allele origin: germline.
Comment: This sequence change replaces leucine, which is neutral and non-polar, with phenylalanine, which is neutral and non-polar, at codon 731 of the FANCM protein (p.Leu731Phe). This variant is not present in population databases (gnomAD no frequency). This variant has not been reported in the literature in individuals affected with FANCM-related conditions. ClinVar contains an entry for this variant (Variation ID: 2049840). An algorithm developed to predict the effect of missense changes on protein structure and function (PolyPhen-2) suggests that this variant is likely to be disruptive. In summary, the available evidence is currently insufficient to determine the role of this variant in disease. Therefore, it has been classified as a Variant of Uncertain Significance.

NM_020937.4(FANCM):c.2191C>T (p.Leu731Phe)

Gene: FANCM (FA complementation group M; plus strand). Cytogenetic location: 14q21.2.
Variant type: single nucleotide variant.
Coding change: c.2191C>T on transcript NM_020937.4 (MANE Select); coding-DNA position 2191, C replaced by T.
Protein change: p.Leu731Phe; replaces leucine 731 with phenylalanine.
Molecular consequence: missense variant.
Genome position (GRCh38, 1-based): chr14:45,173,085, C>T. VCF-style: chr14-45173085-C-T. GRCh37 (hg19) VCF-style: chr14-45642288-C-T.
Other names: c.2113C>T, p.Leu705Phe (NM_001308133.2); short protein forms L705F, L731F.
Identifiers: ClinVar variation 2049840 (VCV002049840.5), dbSNP rs2139234587, ClinGen allele CA389596646.
Genomic context (GRCh38, chr14:45,173,085, plus strand): 5'-ATCATTTTTATTACTTTTTAAATAATTAAGGCTCAAGAATCAACCACTGGAATTCATCAA[C>T]TCTCTCTCTCTGAATGGAGACTGTGGCAAGATCATCCTTTGCCTACACATCAAGTTGATC-3'
Protein context (NP_065988.1, residues 721-741): AQESTTGIHQ[Leu731Phe]SLSEWRLWQD